The following is an entry in ClinVar:

NM_012144.4(DNAI1):c.503C>A (p.Ala168Glu)

Gene: DNAI1 (dynein axonemal intermediate chain 1; plus strand). Cytogenetic location: 9p13.3.
Variant type: single nucleotide variant.
Coding change: c.503C>A on transcript NM_012144.4 (MANE Select); coding-DNA position 503, C replaced by A.
Protein change: p.Ala168Glu; replaces alanine 168 with glutamic acid.
Molecular consequence: missense variant.
Genome position (GRCh38, 1-based): chr9:34,490,370, C>A. VCF-style: chr9-34490370-C-A. GRCh37 (hg19) VCF-style: chr9-34490368-C-A.
Other names: c.515C>A, p.Ala172Glu (NM_001281428.2); short protein forms A168E, A172E.
Identifiers: ClinVar variation 1916826 (VCV001916826.3), dbSNP rs143015286, ClinGen allele CA5034088.

ClinVar aggregate classification (germline): Uncertain significance (1 of 4 stars; one submission).

Conditions:
Primary ciliary dyskinesia. Also called: Ciliary dyskinesia. Identifiers: Orphanet 244, MedGen C0008780, MONDO:0016575, HP:0012265.

Allele frequency attached by ClinVar (database versions not stated): ExAC 0.00002; gnomAD 0.00003; TOPMed 0.00003; gnomAD exomes 0.00005; ESP Exome Variant Server 0.00008.
gnomAD v4.1: 86 of 1,614,048 alleles (0.0053%); highest among the groups gnomAD compares: Non-Finnish European, 0.0065%; no homozygotes.

Submission:

Labcorp Genetics (formerly Invitae), Labcorp
Classification: Uncertain significance for Primary ciliary dyskinesia. Last evaluated: 2024-10-21. Review status: criteria provided, single submitter. Criteria: Invitae Variant Classification Sherloc (09022015). Collection method: clinical testing. Allele origin: germline.
Comment: This sequence change replaces alanine, which is neutral and non-polar, with glutamic acid, which is acidic and polar, at codon 168 of the DNAI1 protein (p.Ala168Glu). This variant is present in population databases (rs143015286, gnomAD 0.005%). This variant has not been reported in the literature in individuals affected with DNAI1-related conditions. ClinVar contains an entry for this variant (Variation ID: 1916826). An algorithm developed to predict the effect of missense changes on protein structure and function (PolyPhen-2) suggests that this variant¬†is likely to be tolerated. In summary, the available evidence is currently insufficient to determine the role of this variant in disease. Therefore, it has been classified as a Variant of Uncertain Significance.